The following is an entry in ClinVar:

NM_000548.5(TSC2):c.1947-2A>G

Gene: TSC2 (TSC complex subunit 2; plus strand). Cytogenetic location: 16p13.3.
Variant type: single nucleotide variant.
Coding change: c.1947-2A>G on transcript NM_000548.5 (MANE Select); the canonical splice acceptor site of the intron before coding-DNA position 1947, A replaced by G.
Molecular consequence: splice acceptor variant.
Genome position (GRCh38, 1-based): chr16:2,071,782, A>G. VCF-style: chr16-2071782-A-G. GRCh37 (hg19) VCF-style: chr16-2121783-A-G.
Other names: c.1347-2A>G (NM_001406680.1, NM_001406683.1, NM_001406687.1 and 6 more transcripts); c.603-2A>G (NM_001406689.1, NM_001406690.1, NM_001406692.1 and 6 more transcripts); c.345-2A>G (NM_001406698.1); c.1947-2A>G (NM_001114382.3, NM_001406663.1, NM_001406664.1 and 6 more transcripts); c.1935-2A>G (NM_001406671.1, NM_001406673.1); c.1485-2A>G (NM_001406681.1); c.1836-2A>G (NM_001406670.1, NM_001318827.2, NM_001406678.1); c.2037-2A>G (NM_001406667.1, NM_001406668.1); and 3 more.
Identifiers: ClinVar variation 50190 (VCV000050190.3), dbSNP rs45517207, ClinGen allele CA016294.

ClinVar aggregate classification (germline): Pathogenic. Review status: criteria provided, single submitter (1 of 4 stars). 2 submissions from 2 submitters: Pathogenic (1). 1 of the submissions does not count toward it. Last evaluated 2024-04-29.

Conditions:
Hereditary cancer-predisposing syndrome. Also called: Neoplastic Syndromes, Hereditary; Tumor predisposition; Hereditary Cancer Syndrome; Hereditary neoplastic syndrome. Identifiers: Orphanet 140162, MedGen C0027672, MeSH D009386, MONDO:0015356.
Tuberous sclerosis syndrome (TSC). Also called: Tuberous Sclerosis Complex; Tuberous sclerosis. Identifiers: Orphanet 805, MedGen C0041341, MONDO:0001734.

Submissions (2):

Ambry Genetics
Classification: Pathogenic for Hereditary cancer-predisposing syndrome. Last evaluated: 2024-04-29. Review status: criteria provided, single submitter. Criteria: Ambry Variant Classification Scheme 2023. Collection method: clinical testing. Allele origin: germline.
Comment: The c.1947-2A>G intronic pathogenic mutation results from an A to G substitution two nucleotides upstream from coding exon 18 in the TSC2 gene. This variant (also known as IVS17-2A>G in the literature) has been reported in multiple individuals with features consistent with tuberous sclerosis complex (Mayer K et al. Hum Mutat, 1999;14:401-11; Peron A et al. Eur J Med Genet, 2018 Jul;61:403-410; Ambry internal data). This nucleotide position is highly conserved in available vertebrate species. In silico splice site analysis predicts that this alteration will weaken the native splice acceptor site. RNA studies have demonstrated that this alteration results in abnormal splicing in the set of samples tested (Ambry internal data; Mayer K et al. Hum Mutat, 1999;14:401-11). This variant is considered to be rare based on population cohorts in the Genome Aggregation Database (gnomAD). Based on the supporting evidence, this variant is interpreted as a disease-causing mutation.

Tuberous sclerosis database (TSC2)
No classification provided. Condition: TSC. Review status: no classification provided. Criteria: Tuberous Sclerosis Database Assertion Criteria 2015. Collection method: curation. Allele origin: germline. Affected: yes. Not counted in ClinVar's aggregate classification.

Literature cited by the submitters: PubMed 10533066 (cited by Ambry Genetics); PubMed 29432982 (cited by Ambry Genetics).